The following is an entry in ClinVar:

NM_153676.4(USH1C):c.1669A>C (p.Thr557Pro)

Gene: USH1C (USH1 protein network component harmonin; minus strand). Cytogenetic location: 11p15.1.
Variant type: single nucleotide variant.
Coding change: c.1669A>C on transcript NM_153676.4 (MANE Select); coding-DNA position 1669, A replaced by C.
Protein change: p.Thr557Pro; replaces threonine 557 with proline.
Molecular consequence: missense variant. On other transcripts: intron variant (2).
Genome position (GRCh38, 1-based): chr11:17,509,700, T>G on the plus strand (A>C on the coding strand, the complement: USH1C is on the minus strand). VCF-style: chr11-17509700-T-G. GRCh37 (hg19) VCF-style: chr11-17531247-T-G.
Other names: c.1227+7701A>C (NM_001297764.2); c.1284+7701A>C (NM_005709.4); c.1669A>C (NM_153676.3); short protein forms T557P.
Identifiers: ClinVar variation 3602273 (VCV003602273.3).

ClinVar aggregate classification (germline): Uncertain significance. Review status: criteria provided, multiple submitters, no conflicts (2 of 4 stars). 2 submissions from 2 submitters: Uncertain significance (2). Last evaluated 2026-02-12.

Conditions:
USH1C-related disorder. Also called: USH1C-related condition.

gnomAD v4.1: 27 of 1,597,236 alleles (0.0017%); highest among the groups gnomAD compares: Admixed American, 0.039%; no homozygotes.

Submissions (2):

PreventionGenetics, part of Exact Sciences
Classification: Uncertain significance for USH1C-related condition. Last evaluated: 2026-02-12. Review status: criteria provided, single submitter. Criteria: ACMG Guidelines, 2015. Collection method: clinical testing. Allele origin: germline.
Comment: The USH1C c.1669A>C variant is predicted to result in the amino acid substitution p.Thr557Pro. To our knowledge, this variant has not been reported in the literature. This variant is reported in 0.052% of alleles in individuals of Latino descent in gnomAD. At this time, the clinical significance of this variant is uncertain due to the absence of conclusive functional and genetic evidence.

GeneDx
Classification: Uncertain significance. Last evaluated: 2025-05-06. Review status: criteria provided, single submitter. Criteria: GeneDx Variant Classification Process June 2021. Collection method: clinical testing. Allele origin: germline. Affected: yes.
Comment: In silico analysis suggests that this variant does not alter splicing; Has not been previously published as pathogenic or benign to our knowledge; Reported using an alternate transcript of the gene